The following is an entry in ClinVar:

NM_003622.4(PPFIBP1):c.471+1005G>A

Gene: PPFIBP1 (PPFIB scaffold protein 1; plus strand). Cytogenetic location: 12p11.22.
Variant type: single nucleotide variant.
Coding change: c.471+1005G>A on transcript NM_003622.4 (MANE Select); 1005 bases into the intron after coding-DNA position 471, G replaced by A.
Molecular consequence: intron variant.
Genome position (GRCh38, 1-based): chr12:27,648,847, G>A. VCF-style: chr12-27648847-G-A. GRCh37 (hg19) VCF-style: chr12-27801780-G-A.
Other names: c.471+1005G>A (NM_177444.3, NM_001198916.2); c.12+1005G>A (NM_001198915.2).
Identifiers: ClinVar variation 4538292 (VCV004538292.1).

ClinVar aggregate classification (germline): Uncertain significance (1 of 4 stars; one submission).

gnomAD v4.1: 1 of 148,116 alleles (0.00068%); highest among the groups gnomAD compares: Non-Finnish European, 0.0015%; no homozygotes.

Submission:

Greenwood Genetic Center Diagnostic Laboratories, Greenwood Genetic Center
Classification: Uncertain significance. Last evaluated: 2025-06-06. Review status: criteria provided, single submitter. Criteria: ACMG Guidelines, 2015. Collection method: clinical testing. Allele origin: germline. Affected: yes.
Comment: PM2, BP4